The following is an entry in ClinVar:

NM_015602.4(TOR1AIP1):c.68C>A (p.Ala23Asp)

Genes: TOR1AIP1 (torsin 1A interacting protein 1; plus strand), LOC112577517 (Sharpr-MPRA regulatory region 13766; plus strand). Cytogenetic location: 1q25.2.
Variant type: single nucleotide variant.
Coding change: c.68C>A on transcript NM_015602.4 (MANE Select); coding-DNA position 68, C replaced by A.
Protein change: p.Ala23Asp; replaces alanine 23 with aspartic acid.
Molecular consequence: missense variant.
Genome position (GRCh38, 1-based): chr1:179,882,570, C>A. VCF-style: chr1-179882570-C-A. GRCh37 (hg19) VCF-style: chr1-179851705-C-A.
Other names: c.68C>A, p.Ala23Asp (NM_001267578.2); short protein forms A23D.
Identifiers: ClinVar variation 1713803 (VCV001713803.6), dbSNP rs1647740253, ClinGen allele CA343577583.

ClinVar aggregate classification (germline): Uncertain significance (1 of 4 stars; one submission).

Conditions:
Autosomal recessive limb-girdle muscular dystrophy type 2Y (MRRSDC). Also called: Muscular dystrophy, autosomal recessive, with rigid spine and distal joint contractures; Muscular dystrophy, limb-girdle, type 2y. Identifiers: Orphanet 424261, MedGen C4511482, MONDO:0014900, OMIM 617072.

Allele frequency attached by ClinVar (database versions not stated): gnomAD 0.00001.
gnomAD v4.1: 2 of 1,515,682 alleles (0.00013%); highest among the groups gnomAD compares: Non-Finnish European, 0.00018%; no homozygotes.

Submission:

Labcorp Genetics (formerly Invitae), Labcorp
Classification: Uncertain significance for Autosomal recessive limb-girdle muscular dystrophy type 2Y. Last evaluated: 2022-08-04. Review status: criteria provided, single submitter. Criteria: Invitae Variant Classification Sherloc (09022015). Collection method: clinical testing. Allele origin: germline.
Comment: In summary, the available evidence is currently insufficient to determine the role of this variant in disease. Therefore, it has been classified as a Variant of Uncertain Significance. Algorithms developed to predict the effect of missense changes on protein structure and function are either unavailable or do not agree on the potential impact of this missense change (SIFT: "Deleterious"; PolyPhen-2: "Probably Damaging"; Align-GVGD: "Class C0"). This variant has not been reported in the literature in individuals affected with TOR1AIP1-related conditions. This variant is not present in population databases (gnomAD no frequency). This sequence change replaces alanine, which is neutral and non-polar, with aspartic acid, which is acidic and polar, at codon 23 of the TOR1AIP1 protein (p.Ala23Asp).